The following is an entry in ClinVar:

ClinVar aggregate classification (germline): Likely benign (1 of 4 stars; one submission).

gnomAD v4.1: 58 of 1,578,002 alleles (0.0037%); highest among the groups gnomAD compares: Admixed American, 0.11%; no homozygotes.

Submission:

CeGaT Center for Human Genetics Tuebingen
Classification: Likely benign. Last evaluated: 2026-04-01. Review status: criteria provided, single submitter. Criteria: CeGaT Center For Human Genetics Tuebingen Variant Classification Criteria Version 2. Collection method: clinical testing. Allele origin: germline. Affected: yes. Observed: 1 variant allele.
Comment: MAST4: BP4, BP7

NM_001164664.2(MAST4):c.6555G>A (p.Ala2185=)

Gene: MAST4 (microtubule associated serine/threonine kinase family member 4; plus strand). Cytogenetic location: 5q12.3.
Variant type: single nucleotide variant.
Coding change: c.6555G>A on transcript NM_001164664.2 (MANE Select); coding-DNA position 6555, G replaced by A.
Protein change: p.Ala2185=; no amino-acid change (alanine 2185 retained).
Molecular consequence: synonymous variant.
Genome position (GRCh38, 1-based): chr5:67,165,734, G>A. VCF-style: chr5-67165734-G-A. GRCh37 (hg19) VCF-style: chr5-66461562-G-A.
Other names: c.5937G>A, p.Ala1979= (NM_001290226.2); c.5772G>A, p.Ala1924= (NM_001290227.2, NM_001393527.1); c.5973G>A, p.Ala1991= (NM_001297651.2); c.6564G>A, p.Ala2188= (NM_001393524.1); c.6354G>A, p.Ala2118= (NM_001393525.1); c.5787G>A, p.Ala1929= (NM_001393526.1); c.5751G>A, p.Ala1917= (NM_001393528.1); c.5988G>A, p.Ala1996= (NM_015183.3).
Identifiers: ClinVar variation 4874222 (VCV004874222.2).